The following is an entry in ClinVar:

ClinVar aggregate classification (germline): Pathogenic (1 of 4 stars; one submission).

Conditions:
Breast-ovarian cancer, familial, susceptibility to, 2 (BROVCA2). Also called: BRCA2 Hereditary Breast and Ovarian Cancer. Identifiers: Orphanet 145, MedGen C2675520, MONDO:0012933, OMIM 612555. Disease mechanism: loss of function.

Submission:

Myriad Genetics, Inc.
Classification: Pathogenic for Breast-ovarian cancer, familial, susceptibility to, 2. Last evaluated: 2023-09-13. Review status: criteria provided, single submitter. Criteria: Myriad Autosomal Dominant, Autosomal Recessive and X-Linked Classification Criteria (2023). Collection method: clinical testing. Allele origin: unknown.
Comment: This variant is considered pathogenic. This variant creates a frameshift predicted to result in premature protein truncation.

NM_000059.4(BRCA2):c.8533del (p.Arg2845fs)

Gene: BRCA2 (BRCA2 DNA repair associated; plus strand). Cytogenetic location: 13q13.1.
Variant type: Deletion.
Coding change: c.8533del on transcript NM_000059.4 (MANE Select); coding-DNA position 8533, one base deleted (A; older notation c.8533delA).
Protein change: p.Arg2845fs; shifts the reading frame from arginine 2845.
Molecular consequence: frameshift variant. On other transcripts: non-coding transcript variant (1).
Genome position (GRCh38, 1-based): chr13:32,371,001, A deleted; the last of 3 consecutive A bases (chr13:32,370,999-32,371,001); deleting any one gives the same sequence. VCF-style (leftmost placement, unchanged base first): chr13-32370998-GA-G. GRCh37 (hg19) VCF-style: chr13-32945135-GA-G.
Other names: c.8437del, p.Arg2813fs (NM_001406719.1); c.8533del, p.Arg2845fs (NM_001406720.1); c.3601del, p.Arg1201fs (NM_001406721.1); c.2116del, p.Arg706fs (NM_001406722.1); short protein forms R1201fs, R2813fs, R2845fs, R706fs.
Identifiers: ClinVar variation 2674544 (VCV002674544.1), dbSNP rs397507990, ClinGen allele CA2695199703.